The following is an entry in ClinVar:

NM_000127.3(EXT1):c.1338C>T (p.Asn446=)

Gene: EXT1 (exostosin glycosyltransferase 1; minus strand). Cytogenetic location: 8q24.11.
Variant type: single nucleotide variant.
Coding change: c.1338C>T on transcript NM_000127.3 (MANE Select); coding-DNA position 1338, C replaced by T.
Protein change: p.Asn446=; no amino-acid change (asparagine 446 retained).
Molecular consequence: synonymous variant.
Genome position (GRCh38, 1-based): chr8:117,822,544, G>A on the plus strand (C>T on the coding strand, the complement: EXT1 is on the minus strand). VCF-style: chr8-117822544-G-A. GRCh37 (hg19) VCF-style: chr8-118834783-G-A.
Other names: c.1338C>T (NM_000127.2).
Identifiers: ClinVar variation 1122942 (VCV001122942.12), dbSNP rs745637397, ClinGen allele CA4854166.

ClinVar aggregate classification (germline): Likely benign. Review status: criteria provided, multiple submitters, no conflicts (2 of 4 stars). 3 submissions from 3 submitters: Likely benign (2). 1 of the submissions does not count toward it. Last evaluated 2025-12-03.

Conditions:
EXT1-related disorder. Also called: EXT1-related condition.
Multiple congenital exostosis (EXT). Also called: Hereditary multiple osteochondromas; MULTIPLE CARTILAGINOUS EXOSTOSES; Multiple exostoses; Hereditary multiple exostoses; Hereditary multiple exostosis; Multiple osteochondromas. Identifiers: Orphanet 321, MedGen C0015306, MONDO:0005508, HP:0002762.

Allele frequency attached by ClinVar (database versions not stated): gnomAD 0.00002; TOPMed 0.00006; ExAC 0.00010.
gnomAD v4.1: 138 of 1,613,292 alleles (0.0086%); highest among the groups gnomAD compares: Non-Finnish European, 0.011%; no homozygotes.

Submissions (3):

Labcorp Genetics (formerly Invitae), Labcorp
Classification: Likely benign for Multiple congenital exostosis. Last evaluated: 2025-12-03. Review status: criteria provided, single submitter. Criteria: Invitae Variant Classification Sherloc (09022015). Collection method: clinical testing. Allele origin: germline.

Blueprint Genetics
Classification: Likely benign. Last evaluated: 2022-11-11. Review status: criteria provided, single submitter. Criteria: ACMG Guidelines, 2015. Collection method: clinical testing. Allele origin: germline.

PreventionGenetics, part of Exact Sciences
Classification: Likely benign for EXT1-related condition. Last evaluated: 2022-08-10. Review status: no assertion criteria provided. Collection method: clinical testing. Allele origin: germline. Not counted in ClinVar's aggregate classification.
Comment: This variant is classified as likely benign based on ACMG/AMP sequence variant interpretation guidelines (Richards et al. 2015 PMID: 25741868, with internal and published modifications).